The following is an entry in ClinVar:

ClinVar aggregate classification (germline): Uncertain significance (1 of 4 stars; one submission).

Conditions:
Hereditary sensory and autonomic neuropathy with spastic paraplegia (HSNSP). Identifiers: Orphanet 139578, MedGen C1850395, MONDO:0009748, OMIM 256840.

Submission:

Labcorp Genetics (formerly Invitae), Labcorp
Classification: Uncertain significance for Hereditary sensory and autonomic neuropathy with spastic paraplegia. Last evaluated: 2022-05-06. Review status: criteria provided, single submitter. Criteria: Invitae Variant Classification Sherloc (09022015). Collection method: clinical testing. Allele origin: germline.
Comment: In summary, the available evidence is currently insufficient to determine the role of this variant in disease. Therefore, it has been classified as a Variant of Uncertain Significance. Algorithms developed to predict the effect of missense changes on protein structure and function are either unavailable or do not agree on the potential impact of this missense change (SIFT: "Deleterious"; PolyPhen-2: "Probably Damaging"; Align-GVGD: "Class C15"). This variant has not been reported in the literature in individuals affected with CCT5-related conditions. This variant is not present in population databases (gnomAD no frequency). This sequence change replaces valine, which is neutral and non-polar, with methionine, which is neutral and non-polar, at codon 190 of the CCT5 protein (p.Val190Met).

NM_012073.5(CCT5):c.568G>A (p.Val190Met)

Gene: CCT5 (chaperonin containing TCP1 subunit 5; plus strand). Cytogenetic location: 5p15.2.
Variant type: single nucleotide variant.
Coding change: c.568G>A on transcript NM_012073.5 (MANE Select); coding-DNA position 568, G replaced by A.
Protein change: p.Val190Met; replaces valine 190 with methionine.
Molecular consequence: missense variant.
Genome position (GRCh38, 1-based): chr5:10,258,148, G>A. VCF-style: chr5-10258148-G-A. GRCh37 (hg19) VCF-style: chr5-10258260-G-A.
Other names: c.505G>A, p.Val169Met (NM_001306153.1); c.403G>A, p.Val135Met (NM_001306154.2); c.289G>A, p.Val97Met (NM_001306155.2); c.454G>A, p.Val152Met (NM_001306156.2); short protein forms V97M, V135M, V152M, V169M, V190M.
Identifiers: ClinVar variation 2177582 (VCV002177582.4), dbSNP rs2477442736, ClinGen allele CA359182274.